The following is an entry in ClinVar:

ClinVar aggregate classification (germline): Conflicting classifications of pathogenicity. Review status: criteria provided, conflicting classifications (1 of 4 stars). 2 submissions from 2 submitters: Uncertain significance (1); Likely benign (1). Last evaluated 2023-03-23.

Conditions:
Hereditary breast ovarian cancer syndrome. Also called: Hereditary breast and ovarian cancer; Hereditary breast and ovarian cancer syndrome; Hereditary breast and ovarian cancer syndrome (HBOC); Hereditary breast and/or ovarian cancer syndrome; Breast and ovarian cancer; BRCA1- and BRCA2-Associated Hereditary Breast and Ovarian Cancer. Identifiers: Orphanet 145, MedGen C0677776, MeSH D061325, MONDO:0003582. Disease mechanism: loss of function.
Hereditary cancer-predisposing syndrome. Also called: Neoplastic Syndromes, Hereditary; Tumor predisposition; Hereditary neoplastic syndrome; Hereditary Cancer Syndrome. Identifiers: Orphanet 140162, MedGen C0027672, MeSH D009386, MONDO:0015356.

Submissions (2):

University of Washington Department of Laboratory Medicine, University of Washington
Classification: Likely benign for Hereditary cancer-predisposing syndrome. Last evaluated: 2023-03-23. Review status: criteria provided, single submitter. Criteria: Dines et al. (Genet Med. 2020). Collection method: curation. Allele origin: germline.
Comment: Missense variant in a coldspot region where missense variants are very unlikely to be pathogenic (PMID:31911673).

BRCA2 exon 11 coldspot. Reclassification based on statistical prior probability.

Labcorp Genetics (formerly Invitae), Labcorp
Classification: Uncertain significance for Hereditary breast ovarian cancer syndrome. Last evaluated: 2019-11-04. Review status: criteria provided, single submitter. Criteria: Invitae Variant Classification Sherloc (09022015). Collection method: clinical testing. Allele origin: germline.
Comment: This sequence change replaces isoleucine with valine at codon 1047 of the BRCA2 protein (p.Ile1047Val). The isoleucine residue is weakly conserved and there is a small physicochemical difference between isoleucine and valine. This variant is not present in population databases (ExAC no frequency). This variant has not been reported in the literature in individuals with BRCA2-related disease. Algorithms developed to predict the effect of missense changes on protein structure and function output the following: SIFT: "Tolerated"; PolyPhen-2: "Benign"; Align-GVGD: "Class C0". The valine amino acid residue is found in multiple mammalian species, suggesting that this missense change does not adversely affect protein function. These predictions have not been confirmed by published functional studies and their clinical significance is uncertain. In summary, the available evidence is currently insufficient to determine the role of this variant in disease. Therefore, it has been classified as a Variant of Uncertain Significance.

NM_000059.4(BRCA2):c.3139A>G (p.Ile1047Val)

Gene: BRCA2 (BRCA2 DNA repair associated; plus strand). Cytogenetic location: 13q13.1.
Variant type: single nucleotide variant.
Coding change: c.3139A>G on transcript NM_000059.4 (MANE Select); coding-DNA position 3139, A replaced by G.
Protein change: p.Ile1047Val; replaces isoleucine 1047 with valine.
Molecular consequence: missense variant.
Genome position (GRCh38, 1-based): chr13:32,337,494, A>G. VCF-style: chr13-32337494-A-G. GRCh37 (hg19) VCF-style: chr13-32911631-A-G.
Other names: short protein forms I1047V.
Identifiers: ClinVar variation 643506 (VCV000643506.12), dbSNP rs1593898670, ClinGen allele CA387775744.
Genomic context (GRCh38, chr13:32,337,494, plus strand): 5'-AGCAAAATGTTCTTCAAAGATATTGAAGAACAATATCCTACTAGTTTAGCTTGTGTTGAA[A>G]TTGTAAATACCTTGGCATTAGATAATCAAAAGAAACTGAGCAAGCCTCAGTCAATTAATA-3'
Protein context (NP_000050.3, residues 1037-1057): QYPTSLACVE[Ile1047Val]VNTLALDNQK